The following is an entry in ClinVar:

NM_006494.4(ERF):c.619C>T (p.Arg207Ter)

Gene: ERF (ETS2 repressor factor; minus strand). Cytogenetic location: 19q13.2.
Variant type: single nucleotide variant.
Coding change: c.619C>T on transcript NM_006494.4 (MANE Select); coding-DNA position 619, C replaced by T.
Protein change: p.Arg207Ter; replaces arginine 207 with a stop codon.
Molecular consequence: nonsense.
Genome position (GRCh38, 1-based): chr19:42,249,493, G>A on the plus strand (C>T on the coding strand, the complement: ERF is on the minus strand). VCF-style: chr19-42249493-G-A. GRCh37 (hg19) VCF-style: chr19-42753645-G-A.
Other names: c.394C>T, p.Arg132Ter (NM_001301035.2, NM_001308402.2, NM_001312656.2); short protein forms R207*, R132*.
Identifiers: ClinVar variation 476627 (VCV000476627.17), dbSNP rs1555750795, ClinGen allele CA406111368.

ClinVar aggregate classification (germline): Pathogenic/Likely pathogenic. Review status: criteria provided, multiple submitters, no conflicts (2 of 4 stars). 6 submissions from 6 submitters: Pathogenic (5); Likely pathogenic (1). Last evaluated 2026-05-27.

Conditions:
Noonan Syndrome-like developmental disorder.
ERF-related disorder. Also called: ERF-related disorders; ERF-related condition.
Inborn genetic diseases. Identifiers: MedGen C0950123, MeSH D030342.
TWIST1-related craniosynostosis (CRS1). Also called: CRANIOSYNOSTOSIS 1. Identifiers: Orphanet 63440, MedGen C4551902, MONDO:0007399, OMIM 123100. Inheritance: Heterogenous inheritance pattern.

Allele frequency attached by ClinVar (database versions not stated): gnomAD exomes below 0.00001.
gnomAD v4.1: 2 of 1,610,618 alleles (0.00012%); highest among the groups gnomAD compares: Non-Finnish European, 0.00017%; no homozygotes.

Submissions (6):

Ambry Genetics
Classification: Pathogenic for Inborn genetic diseases. Last evaluated: 2026-05-27. Review status: criteria provided, single submitter. Criteria: Ambry Variant Classification Scheme 2023. Collection method: clinical testing. Allele origin: germline.
Comment: The c.619C>T (p.R207*) alteration, located in exon 4 (coding exon 4) of the ERF gene, consists of a C to T substitution at nucleotide position 619. This changes the amino acid from an arginine (R) to a stop codon at amino acid position 207. This variant is not expected to trigger nonsense-mediated mRNA decay, and impacts the last 62% of the protein. However, premature stop codons are typically deleterious in nature, the impacted region is critical for protein function, and a significant portion of the protein is affected (Ambry internal data). This variant was not reported in population-based cohorts in the Genome Aggregation Database (gnomAD). This variant was reported in individual(s) with features consistent with ERF-related neurodevelopmental disorder; in at least one individual, it was determined to be de novo (Bukowska-Olech, 2022; Dentici, 2024). Based on the available evidence, this alteration is classified as pathogenic.

Dasa
Classification: Likely pathogenic. Last evaluated: 2026-01-20. Review status: criteria provided, single submitter. Criteria: DASA Assertion Criteria. Collection method: clinical testing. Allele origin: germline.
Comment: NM_006494.4(ERF):c.619C>T (p.Arg207*) is a nonsense variant in ERF predicted to introduce a premature termination codon and is predicted to result in an absent or altered protein product. Loss of function is an established disease mechanism for ERF (PMID: 30758909; PMID: 23354439; PMID: 26097063). This variant has been reported in individuals with ERF-related disorders. Also, this variant is rare in population databases. Based on the currently available evidence, this variant is classified as likely pathogenic.

PreventionGenetics, part of Exact Sciences
Classification: Pathogenic for ERF-related condition. Last evaluated: 2025-04-19. Review status: criteria provided, single submitter. Criteria: ACMG Guidelines, 2015. Collection method: clinical testing. Allele origin: germline.
Comment: The ERF c.619C>T variant is predicted to result in premature protein termination (p.Arg207*). This variant was reported in an individual with craniosynostosis (reported as c.394C>T, p.Arg132* in Bukowska-Olech et al. 2022. PubMed ID: 35591945) as well as in an affected patient who had inherited the variant from an unaffected parent (case with Decipher ID 266029 in Supplemental Table 1, Wright et al. 2020. PubMed ID: 33149276). This variant has not been reported in a large population database (gnomAD), indicating this variant is rare. This variant is interpreted as pathogenic in ClinVar. Nonsense variants in ERF are expected to be pathogenic. This variant is interpreted as pathogenic.

Tartaglia Lab, Genetics and Rare Diseases Research Division, Bambino Gesu' Children's Hospital
Classification: Pathogenic for Noonan Syndrome-like developmental disorder. Last evaluated: 2023-12-31. Review status: criteria provided, single submitter. Criteria: ACMG Guidelines, 2015. Collection method: research. Allele origin: de novo. Affected: yes.

Labcorp Genetics (formerly Invitae), Labcorp
Classification: Pathogenic for TWIST1-related craniosynostosis. Last evaluated: 2023-11-28. Review status: criteria provided, single submitter. Criteria: Invitae Variant Classification Sherloc (09022015). Collection method: clinical testing. Allele origin: germline.
Comment: This sequence change creates a premature translational stop signal (p.Arg207*) in the ERF gene. While this is not anticipated to result in nonsense mediated decay, it is expected to disrupt the last 342 amino acid(s) of the ERF protein. This variant is not present in population databases (gnomAD no frequency). This variant has not been reported in the literature in individuals affected with ERF-related conditions. ClinVar contains an entry for this variant (Variation ID: 476627). This variant disrupts a region of the ERF protein in which other variant(s) (p.Gly299Argfs*9) have been determined to be pathogenic (PMID: 23354439). This suggests that this is a clinically significant region of the protein, and that variants that disrupt it are likely to be disease-causing. For these reasons, this variant has been classified as Pathogenic.

GeneDx
Classification: Pathogenic. Last evaluated: 2023-05-11. Review status: criteria provided, single submitter. Criteria: GeneDx Variant Classification Process June 2021. Collection method: clinical testing. Allele origin: germline. Affected: yes.
Comment: Nonsense variant in the C-terminus predicted to result in protein truncation, as the last 342 amino acids are lost, and other loss-of-function variants have been reported downstream in the Human Gene Mutation Database (HGMD); Not observed in large population cohorts (gnomAD); This variant is associated with the following publications: (PMID: 35591945)

Literature cited by the submitters: PubMed 35591945 (cited by Ambry Genetics and Dasa); PubMed 38824261 (cited by Ambry Genetics and Dasa); PubMed 30758909 (cited by Dasa); PubMed 23354439 (cited by Dasa and Labcorp Genetics (formerly Invitae), Labcorp); PubMed 26097063 (cited by Dasa).